The following is an entry in ClinVar:

NM_002547.3(OPHN1):c.1929T>G (p.Ser643Arg)

Gene: OPHN1 (oligophrenin 1; minus strand). Cytogenetic location: Xq12.
Variant type: single nucleotide variant.
Coding change: c.1929T>G on transcript NM_002547.3 (MANE Select); coding-DNA position 1929, T replaced by G.
Protein change: p.Ser643Arg; replaces serine 643 with arginine.
Molecular consequence: missense variant.
Genome position (GRCh38, 1-based): chrX:68,064,083, A>C on the plus strand (T>G on the coding strand, the complement: OPHN1 is on the minus strand). VCF-style: chrX-68064083-A-C. GRCh37 (hg19) VCF-style: chrX-67283925-A-C.
Other names: short protein forms S643R.
Identifiers: ClinVar variation 1700438 (VCV001700438.2), dbSNP rs2147360293, ClinGen allele CA413430786.

ClinVar aggregate classification (germline): Uncertain significance (1 of 4 stars; one submission).

Submission:

GeneDx
Classification: Uncertain significance. Last evaluated: 2022-02-03. Review status: criteria provided, single submitter. Criteria: GeneDx Variant Classification Process June 2021. Collection method: clinical testing. Allele origin: germline. Affected: yes.
Comment: Not observed at significant frequency in large population cohorts (gnomAD); In silico analysis supports that this missense variant does not alter protein structure/function; Has not been previously published as pathogenic or benign to our knowledge